The following is an entry in ClinVar:

ClinVar aggregate classification (germline): Uncertain significance (1 of 4 stars; one submission).

Allele frequency attached by ClinVar (database versions not stated): TOPMed below 0.00001; gnomAD 0.00001.
gnomAD v4.1: 1 of 1,611,998 alleles (0.000062%); highest among the groups gnomAD compares: Admixed American, 0.0017%; no homozygotes.

Submission:

Labcorp Genetics (formerly Invitae), Labcorp
Classification: Uncertain significance. Last evaluated: 2022-06-26. Review status: criteria provided, single submitter. Criteria: Invitae Variant Classification Sherloc (09022015). Collection method: clinical testing. Allele origin: germline.
Comment: In summary, the available evidence is currently insufficient to determine the role of this variant in disease. Therefore, it has been classified as a Variant of Uncertain Significance. Algorithms developed to predict the effect of missense changes on protein structure and function output the following: SIFT: "Deleterious"; PolyPhen-2: "Probably Damaging"; Align-GVGD: "Class C0". The phenylalanine amino acid residue is found in multiple mammalian species, which suggests that this missense change does not adversely affect protein function. This variant has not been reported in the literature in individuals affected with C8B-related conditions. This variant is not present in population databases (gnomAD no frequency). This sequence change replaces serine, which is neutral and polar, with phenylalanine, which is neutral and non-polar, at codon 591 of the C8B protein (p.Ser591Phe).

NM_000066.4(C8B):c.1772C>T (p.Ser591Phe)

Gene: C8B (complement C8 beta chain; minus strand). Cytogenetic location: 1p32.2.
Variant type: single nucleotide variant.
Coding change: c.1772C>T on transcript NM_000066.4 (MANE Select); coding-DNA position 1772, C replaced by T.
Protein change: p.Ser591Phe; replaces serine 591 with phenylalanine.
Molecular consequence: missense variant.
Genome position (GRCh38, 1-based): chr1:56,929,408, G>A on the plus strand (C>T on the coding strand, the complement: C8B is on the minus strand). VCF-style: chr1-56929408-G-A. GRCh37 (hg19) VCF-style: chr1-57395081-G-A.
Other names: c.1616C>T, p.Ser539Phe (NM_001278543.2); c.1586C>T, p.Ser529Phe (NM_001278544.2); short protein forms S529F, S539F, S591F.
Identifiers: ClinVar variation 2079277 (VCV002079277.4), dbSNP rs1644662055, ClinGen allele CA340518812.